The following is an entry in ClinVar:

NM_205861.3(DHDDS):c.904C>T (p.Leu302Phe)

Gene: DHDDS (dehydrodolichyl diphosphate synthase subunit; plus strand). Cytogenetic location: 1p36.11.
Variant type: single nucleotide variant.
Coding change: c.904C>T on transcript NM_205861.3 (MANE Select); coding-DNA position 904, C replaced by T.
Protein change: p.Leu302Phe; replaces leucine 302 with phenylalanine.
Molecular consequence: missense variant.
Genome position (GRCh38, 1-based): chr1:26,469,033, C>T. VCF-style: chr1-26469033-C-T. GRCh37 (hg19) VCF-style: chr1-26795524-C-T.
Other names: c.802C>T, p.Leu268Phe (NM_001243564.2); c.787C>T, p.Leu263Phe (NM_001243565.2); c.625C>T, p.Leu209Phe (NM_001319959.2); c.907C>T, p.Leu303Phe (NM_024887.4); short protein forms L263F, L209F, L302F, L268F, L303F.
Identifiers: ClinVar variation 962727 (VCV000962727.7), dbSNP rs779438727, ClinGen allele CA705485.

ClinVar aggregate classification (germline): Uncertain significance (1 of 4 stars; one submission).

Conditions:
Retinitis pigmentosa 59 (RP59). Identifiers: Orphanet 791, MedGen C3151227, MONDO:0013468, OMIM 613861.

Allele frequency attached by ClinVar (database versions not stated): gnomAD exomes below 0.00001 and 0.00001; ExAC 0.00002.
gnomAD v4.1: 6 of 1,614,098 alleles (0.00037%); highest among the groups gnomAD compares: Non-Finnish European, 0.00042%; no homozygotes.

Submission:

Labcorp Genetics (formerly Invitae), Labcorp
Classification: Uncertain significance for Retinitis pigmentosa 59. Last evaluated: 2021-08-26. Review status: criteria provided, single submitter. Criteria: Invitae Variant Classification Sherloc (09022015). Collection method: clinical testing. Allele origin: germline.
Comment: This sequence change replaces leucine with phenylalanine at codon 303 of the DHDDS protein (p.Leu303Phe). The leucine residue is weakly conserved and there is a small physicochemical difference between leucine and phenylalanine. This variant is present in population databases (rs779438727, ExAC 0.003%). This variant has not been reported in the literature in individuals affected with DHDDS-related conditions. Algorithms developed to predict the effect of missense changes on protein structure and function (SIFT, PolyPhen-2, Align-GVGD) all suggest that this variant is likely to be tolerated. In summary, the available evidence is currently insufficient to determine the role of this variant in disease. Therefore, it has been classified as a Variant of Uncertain Significance.